The following is an entry in ClinVar:

NM_001367624.2(ZNF469):c.601G>A (p.Ala201Thr)

Gene: ZNF469 (zinc finger protein 469; plus strand). Cytogenetic location: 16q24.2.
Variant type: single nucleotide variant.
Coding change: c.601G>A on transcript NM_001367624.2 (MANE Select); coding-DNA position 601, G replaced by A.
Protein change: p.Ala201Thr; replaces alanine 201 with threonine.
Molecular consequence: missense variant.
Genome position (GRCh38, 1-based): chr16:88,428,071, G>A. VCF-style: chr16-88428071-G-A. GRCh37 (hg19) VCF-style: chr16-88494479-G-A.
Other names: NM_001127464.1:c.601G>A; short protein forms A201T.
Identifiers: ClinVar variation 1355566 (VCV001355566.9), dbSNP rs765651977, ClinGen allele CA8224600.

ClinVar aggregate classification (germline): Conflicting classifications of pathogenicity. Review status: criteria provided, conflicting classifications (1 of 4 stars). 2 submissions from 2 submitters: Uncertain significance (1); Likely benign (1). Last evaluated 2023-12-11.

Conditions:
Cardiovascular phenotype. Identifiers: MedGen CN230736.

Allele frequency attached by ClinVar (database versions not stated): gnomAD 0.00001; TOPMed 0.00002; gnomAD exomes 0.00005; ExAC 0.00006.

Submissions (2):

Labcorp Genetics (formerly Invitae), Labcorp
Classification: Uncertain significance. Last evaluated: 2023-12-11. Review status: criteria provided, single submitter. Criteria: Invitae Variant Classification Sherloc (09022015). Collection method: clinical testing. Allele origin: germline.
Comment: This sequence change replaces alanine, which is neutral and non-polar, with threonine, which is neutral and polar, at codon 201 of the ZNF469 protein (p.Ala201Thr). This variant is present in population databases (rs765651977, gnomAD 0.03%). This variant has not been reported in the literature in individuals affected with ZNF469-related conditions. ClinVar contains an entry for this variant (Variation ID: 1355566). Algorithms developed to predict the effect of missense changes on protein structure and function output the following: SIFT: "Not Available"; PolyPhen-2: "Benign"; Align-GVGD: "Not Available". The threonine amino acid residue is found in multiple mammalian species, which suggests that this missense change does not adversely affect protein function. In summary, the available evidence is currently insufficient to determine the role of this variant in disease. Therefore, it has been classified as a Variant of Uncertain Significance.

Ambry Genetics
Classification: Likely benign for Cardiovascular phenotype. Last evaluated: 2022-05-11. Review status: criteria provided, single submitter. Criteria: Ambry Variant Classification Scheme 2023. Collection method: clinical testing. Allele origin: germline.